The following is an entry in ClinVar:

NM_000293.3(PHKB):c.680A>G (p.Tyr227Cys)

Gene: PHKB (phosphorylase kinase regulatory subunit beta; plus strand). Cytogenetic location: 16q12.1.
Variant type: single nucleotide variant.
Coding change: c.680A>G on transcript NM_000293.3 (MANE Select); coding-DNA position 680, A replaced by G.
Protein change: p.Tyr227Cys; replaces tyrosine 227 with cysteine.
Molecular consequence: missense variant.
Genome position (GRCh38, 1-based): chr16:47,547,518, A>G. VCF-style: chr16-47547518-A-G. GRCh37 (hg19) VCF-style: chr16-47581429-A-G.
Other names: c.659A>G, p.Tyr220Cys (NM_001031835.3); c.680A>G, p.Tyr227Cys (NM_001363837.1); short protein forms Y220C, Y227C.
Identifiers: ClinVar variation 1910584 (VCV001910584.5), dbSNP rs1193202835, ClinGen allele CA395787555.
Genomic context (GRCh38, chr16:47,547,518, plus strand): 5'-TTTGTGTGGAAAGAGTTTACCGTGTGCCTGACTTTGGTGTCTGGGAAAGAGGAAGCAAAT[A>G]TAATAATGGCAGCACAGAGCTACATTCGAGGTAATTTGCTGATTTCTGAGGTTTTTTTTT-3'
Protein context (NP_000284.1, residues 217-237): DFGVWERGSK[Tyr227Cys]NNGSTELHSS

ClinVar aggregate classification (germline): Uncertain significance (1 of 4 stars; one submission).

Conditions:
Glycogen storage disease IXb (GSD9B). Also called: PHOSPHORYLASE KINASE DEFICIENCY OF LIVER AND MUSCLE, AUTOSOMAL RECESSIVE; GLYCOGENOSIS OF LIVER AND MUSCLE, AUTOSOMAL RECESSIVE; GSD IXb. Identifiers: Orphanet 79240, MedGen C0543514, MONDO:0009868, OMIM 261750.

Allele frequency attached by ClinVar (database versions not stated): gnomAD exomes below 0.00001.
gnomAD v4.1: 2 of 1,608,598 alleles (0.00012%); highest among the groups gnomAD compares: Admixed American, 0.0033%; no homozygotes.

Submission:

Labcorp Genetics (formerly Invitae), Labcorp
Classification: Uncertain significance for Glycogen storage disease IXb. Last evaluated: 2021-12-15. Review status: criteria provided, single submitter. Criteria: Invitae Variant Classification Sherloc (09022015). Collection method: clinical testing. Allele origin: germline.
Comment: This sequence change replaces tyrosine, which is neutral and polar, with cysteine, which is neutral and slightly polar, at codon 227 of the PHKB protein (p.Tyr227Cys). This variant is present in population databases (no rsID available, gnomAD 0.006%). This variant has not been reported in the literature in individuals affected with PHKB-related conditions. Algorithms developed to predict the effect of missense changes on protein structure and function are either unavailable or do not agree on the potential impact of this missense change (SIFT: "Deleterious"; PolyPhen-2: "Probably Damaging"; Align-GVGD: "Class C0"). In summary, the available evidence is currently insufficient to determine the role of this variant in disease. Therefore, it has been classified as a Variant of Uncertain Significance.